The following is an entry in ClinVar:

ClinVar aggregate classification (germline): Conflicting classifications of pathogenicity. Review status: criteria provided, conflicting classifications (1 of 4 stars). 3 submissions from 3 submitters: Uncertain significance (1); Likely benign (2). Last evaluated 2025-12-04.

Conditions:
Cardiovascular phenotype. Identifiers: MedGen CN230736.
Primary dilated cardiomyopathy (DCM). Also called: Dilated Cardiomyopathy. Identifiers: Orphanet 217604, MedGen C0007193, MeSH D002311, MONDO:0005021, HP:0001644. Inheritance: Various modes of inheritance.

Allele frequency attached by ClinVar (database versions not stated): gnomAD 0.00003 and 0.00005; TOPMed 0.00008; 1000 Genomes Project 30x 0.00062; 1000 Genomes Project 0.00080.
gnomAD v4.1: 158 of 1,611,202 alleles (0.0098%); highest among the groups gnomAD compares: East Asian, 0.33%; 1 homozygote.

Submissions (3):

Labcorp Genetics (formerly Invitae), Labcorp
Classification: Likely benign for Primary dilated cardiomyopathy. Last evaluated: 2025-12-04. Review status: criteria provided, single submitter. Criteria: Invitae Variant Classification Sherloc (09022015). Collection method: clinical testing. Allele origin: germline.

Ambry Genetics
Classification: Likely benign for Cardiovascular phenotype. Last evaluated: 2023-10-21. Review status: criteria provided, single submitter. Criteria: Ambry Variant Classification Scheme 2023. Collection method: clinical testing. Allele origin: germline.

GeneDx
Classification: Uncertain significance. Last evaluated: 2023-09-01. Review status: criteria provided, single submitter. Criteria: GeneDx Variant Classification Process June 2021. Collection method: clinical testing. Allele origin: germline. Affected: yes.
Comment: Has not been previously published in association with cardiomyopathy as pathogenic or benign to our knowledge; In silico analysis supports that this missense variant has a deleterious effect on protein structure/function; This variant is associated with the following publications: (PMID: 32476818)

NM_006440.5(TXNRD2):c.1474C>T (p.Arg492Trp)

Gene: TXNRD2 (thioredoxin reductase 2; minus strand). Cytogenetic location: 22q11.21.
Variant type: single nucleotide variant.
Coding change: c.1474C>T on transcript NM_006440.5 (MANE Select); coding-DNA position 1474, C replaced by T.
Protein change: p.Arg492Trp; replaces arginine 492 with tryptophan.
Molecular consequence: missense variant. On other transcripts: non-coding transcript variant (1).
Genome position (GRCh38, 1-based): chr22:19,877,206, G>A on the plus strand (C>T on the coding strand, the complement: TXNRD2 is on the minus strand). VCF-style: chr22-19877206-G-A. GRCh37 (hg19) VCF-style: chr22-19864729-G-A.
Other names: c.1471C>T, p.Arg491Trp (NM_001352300.2); c.1384C>T, p.Arg462Trp (NM_001352301.2); c.1186C>T, p.Arg396Trp (NM_001352302.2); short protein forms R396W, R462W, R491W, R492W.
Identifiers: ClinVar variation 1134686 (VCV001134686.12), dbSNP rs146133764, ClinGen allele CA10103616.